The following is an entry in ClinVar:

NM_207111.4(RNF216):c.1895A>G (p.Lys632Arg)

Gene: RNF216 (ring finger protein 216; minus strand). Cytogenetic location: 7p22.1.
Variant type: single nucleotide variant.
Coding change: c.1895A>G on transcript NM_207111.4 (MANE Select); coding-DNA position 1895, A replaced by G.
Protein change: p.Lys632Arg; replaces lysine 632 with arginine.
Molecular consequence: missense variant.
Genome position (GRCh38, 1-based): chr7:5,712,802, T>C on the plus strand (A>G on the coding strand, the complement: RNF216 is on the minus strand). VCF-style: chr7-5712802-T-C. GRCh37 (hg19) VCF-style: chr7-5752433-T-C.
Other names: c.1724A>G, p.Lys575Arg (NM_001377156.1, NM_207116.3); short protein forms K632R, K575R.
Identifiers: ClinVar variation 1368496 (VCV001368496.8), dbSNP rs2128630340, ClinGen allele CA366721258.

ClinVar aggregate classification (germline): Uncertain significance (1 of 4 stars; one submission).

Submission:

Labcorp Genetics (formerly Invitae), Labcorp
Classification: Uncertain significance. Last evaluated: 2021-12-02. Review status: criteria provided, single submitter. Criteria: Invitae Variant Classification Sherloc (09022015). Collection method: clinical testing. Allele origin: germline.
Comment: This sequence change replaces lysine, which is basic and polar, with arginine, which is basic and polar, at codon 632 of the RNF216 protein (p.Lys632Arg). This variant is not present in population databases (gnomAD no frequency). This variant has not been reported in the literature in individuals affected with RNF216-related conditions. Algorithms developed to predict the effect of missense changes on protein structure and function (SIFT, PolyPhen-2, Align-GVGD) all suggest that this variant is likely to be disruptive. In summary, the available evidence is currently insufficient to determine the role of this variant in disease. Therefore, it has been classified as a Variant of Uncertain Significance.